The following is an entry in ClinVar:

NM_000463.3(UGT1A1):c.196T>C (p.Leu66=)

Genes: UGT1A (UDP glucuronosyltransferase family 1 member A complex locus; plus strand), UGT1A1 (UDP glucuronosyltransferase family 1 member A1; plus strand), UGT1A10 (UDP glucuronosyltransferase family 1 member A10; plus strand), UGT1A3 (UDP glucuronosyltransferase family 1 member A3; plus strand), UGT1A4 (UDP glucuronosyltransferase family 1 member A4; plus strand) and 5 more. Cytogenetic location: 2q37.1.
Variant type: single nucleotide variant.
Coding change: c.196T>C on transcript NM_000463.3 (MANE Select); coding-DNA position 196, T replaced by C.
Protein change: p.Leu66=; no amino-acid change (leucine 66 retained).
Molecular consequence: synonymous variant. On other transcripts: intron variant (9).
Genome position (GRCh38, 1-based): chr2:233,760,483, T>C. VCF-style: chr2-233760483-T-C. GRCh37 (hg19) VCF-style: chr2-234669129-T-C.
Other names: c.856-6551T>C (NM_019076.5, NM_019075.4, NM_021027.3 and 1 more transcripts); c.61-6551T>C (NM_205862.3); c.862-6551T>C (NM_001072.4); c.868-6551T>C (NM_019078.2, NM_007120.3, NM_019093.4).
Identifiers: ClinVar variation 3029932 (VCV003029932.2), dbSNP rs750890851, ClinGen allele CA2179790.

ClinVar aggregate classification (germline): Likely benign (0 of 4 stars; one submission).

Conditions:
UGT1A1-related disorder. Also called: UGT1A1-related condition; UGT1A1-related disorders.

Allele frequency attached by ClinVar (database versions not stated): gnomAD 0.00001; gnomAD exomes 0.00001; ExAC 0.00002.
gnomAD v4.1: 10 of 1,614,116 alleles (0.00062%); highest among the groups gnomAD compares: South Asian, 0.0088%; no homozygotes.

Submission:

PreventionGenetics, part of Exact Sciences
Classification: Likely benign for UGT1A1-related condition. Last evaluated: 2021-09-15. Review status: no assertion criteria provided. Collection method: clinical testing. Allele origin: germline.
Comment: This variant is classified as likely benign based on ACMG/AMP sequence variant interpretation guidelines (Richards et al. 2015 PMID: 25741868, with internal and published modifications).